The following is an entry in ClinVar:

ClinVar aggregate classification (germline): Uncertain significance (1 of 4 stars; one submission).

Submission:

GeneDx
Classification: Uncertain significance. Last evaluated: 2024-12-19. Review status: criteria provided, single submitter. Criteria: GeneDx Variant Classification Process June 2021. Collection method: clinical testing. Allele origin: germline. Affected: yes.
Comment: Not observed at significant frequency in large population cohorts (gnomAD); Frameshift variant predicted to result in protein truncation or nonsense mediated decay in a gene or region of a gene for which loss of function is not a well-established mechanism of disease; Has not been previously published as pathogenic or benign to our knowledge

NM_015425.6(POLR1A):c.1099_1100del (p.Leu367fs)

Gene: POLR1A (RNA polymerase I subunit A; minus strand). Cytogenetic location: 2p11.2.
Variant type: Deletion.
Coding change: c.1099_1100del on transcript NM_015425.6 (MANE Select); coding-DNA positions 1099 to 1100, 2 bases deleted (TT; older notation c.1099_1100delTT).
Protein change: p.Leu367fs; shifts the reading frame from leucine 367.
Molecular consequence: frameshift variant.
Genome position (GRCh38, 1-based): chr2:86,078,271-86,078,272, AA deleted on the plus strand (TT on the coding strand, the reverse complement: POLR1A is on the minus strand); deleting any 2 consecutive bases within chr2:86,078,271-86,078,273 gives the same sequence; the c. name uses the placement nearest the transcript's 3' end. VCF-style (leftmost placement, unchanged base first): chr2-86078270-CAA-C. GRCh37 (hg19) VCF-style: chr2-86305393-CAA-C.
Other names: short protein forms L367fs.
Identifiers: ClinVar variation 3906358 (VCV003906358.1).